The following is an entry in ClinVar:

NM_024408.4(NOTCH2):c.2166C>T (p.Asn722=)

Gene: NOTCH2 (notch receptor 2; minus strand). Cytogenetic location: 1p12.
Variant type: single nucleotide variant.
Coding change: c.2166C>T on transcript NM_024408.4 (MANE Select); coding-DNA position 2166, C replaced by T.
Protein change: p.Asn722=; no amino-acid change (asparagine 722 retained).
Molecular consequence: synonymous variant.
Genome position (GRCh38, 1-based): chr1:119,955,093, G>A on the plus strand (C>T on the coding strand, the complement: NOTCH2 is on the minus strand). VCF-style: chr1-119955093-G-A. GRCh37 (hg19) VCF-style: chr1-120497716-G-A.
Other names: c.2166C>T, p.Asn722= (NM_001200001.2).
Identifiers: ClinVar variation 3719995 (VCV003719995.2).

ClinVar aggregate classification (germline): Uncertain significance (1 of 4 stars; one submission).

Conditions:
Hajdu-Cheney syndrome (HJCYS). Also called: SERPENTINE FIBULA-POLYCYSTIC KIDNEY SYNDROME; Acroosteolysis dominant type; ACROOSTEOLYSIS WITH OSTEOPOROSIS AND CHANGES IN SKULL AND MANDIBLE. Identifiers: Orphanet 955, MedGen C0917715, MONDO:0007057, OMIM 102500.

gnomAD v4.1: 13 of 1,613,932 alleles (0.00081%); highest among the groups gnomAD compares: African/African-American, 0.0013%; no homozygotes.

Submission:

Labcorp Genetics (formerly Invitae), Labcorp
Classification: Uncertain significance for Hajdu-Cheney syndrome. Last evaluated: 2025-10-22. Review status: criteria provided, single submitter. Criteria: Invitae Variant Classification Sherloc (09022015). Collection method: clinical testing. Allele origin: germline.
Comment: This sequence change affects codon 722 of the NOTCH2 mRNA. It is a 'silent' change, meaning that it does not change the encoded amino acid sequence of the NOTCH2 protein. This variant is present in population databases (no rsID available, gnomAD 0.0009%). This variant has not been reported in the literature in individuals affected with NOTCH2-related conditions. ClinVar contains an entry for this variant (Variation ID: 3719995). Algorithms developed to predict the effect of sequence changes on RNA splicing suggest that this variant may create or strengthen a splice site. In summary, the available evidence is currently insufficient to determine the role of this variant in disease. Therefore, it has been classified as a Variant of Uncertain Significance.